The following is an entry in ClinVar:

ClinVar aggregate classification (germline): Uncertain significance. Review status: criteria provided, multiple submitters, no conflicts (2 of 4 stars). 2 submissions from 2 submitters: Uncertain significance (2). Last evaluated 2023-11-21.

Submissions (2):

Labcorp Genetics (formerly Invitae), Labcorp
Classification: Uncertain significance. Last evaluated: 2023-11-21. Review status: criteria provided, single submitter. Criteria: Invitae Variant Classification Sherloc (09022015). Collection method: clinical testing. Allele origin: germline.
Comment: This sequence change replaces alanine, which is neutral and non-polar, with aspartic acid, which is acidic and polar, at codon 471 of the ABCC8 protein (p.Ala471Asp). This variant is not present in population databases (gnomAD no frequency). This variant has not been reported in the literature in individuals affected with ABCC8-related conditions. Advanced modeling of protein sequence and biophysical properties (such as structural, functional, and spatial information, amino acid conservation, physicochemical variation, residue mobility, and thermodynamic stability) performed at Invitae indicates that this missense variant is expected to disrupt ABCC8 protein function with a positive predictive value of 95%. In summary, the available evidence is currently insufficient to determine the role of this variant in disease. Therefore, it has been classified as a Variant of Uncertain Significance.

Athena Diagnostics
Classification: Uncertain significance. Last evaluated: 2023-11-01. Review status: criteria provided, single submitter. Criteria: Athena Diagnostics Criteria. Collection method: clinical testing. Allele origin: unknown.
Comment: Available data are insufficient to determine the clinical significance of the variant at this time. This variant has not been reported in large, multi-ethnic general populations. Computational tools predict that this variant is damaging.

NM_000352.6(ABCC8):c.1412C>A (p.Ala471Asp)

Gene: ABCC8 (ATP binding cassette subfamily C member 8; minus strand). Cytogenetic location: 11p15.1.
Variant type: single nucleotide variant.
Coding change: c.1412C>A on transcript NM_000352.6 (MANE Select); coding-DNA position 1412, C replaced by A.
Protein change: p.Ala471Asp; replaces alanine 471 with aspartic acid.
Molecular consequence: missense variant. On other transcripts: non-coding transcript variant (1).
Genome position (GRCh38, 1-based): chr11:17,443,233, G>T on the plus strand (C>A on the coding strand, the complement: ABCC8 is on the minus strand). VCF-style: chr11-17443233-G-T. GRCh37 (hg19) VCF-style: chr11-17464780-G-T.
Other names: c.1412C>A, p.Ala471Asp (NM_001287174.3, NM_001351295.2); c.1409C>A, p.Ala470Asp (NM_001351296.2, NM_001351297.2); c.1412C>A (NM_000352.3); short protein forms A470D, A471D.
Identifiers: ClinVar variation 2697991 (VCV002697991.4), dbSNP rs780283224, ClinGen allele CA379767075.